The following is an entry in ClinVar:

ClinVar aggregate classification (germline): Uncertain significance. Review status: criteria provided, multiple submitters, no conflicts (2 of 4 stars). 3 submissions from 3 submitters: Uncertain significance (3). Last evaluated 2024-07-02.

Conditions:
ATM-related cancer predisposition. Also called: ATM-related cancer susceptibility. Identifiers: MedGen CN377759, MONDO:0700270.
Hereditary cancer-predisposing syndrome. Also called: Neoplastic Syndromes, Hereditary; Tumor predisposition; Hereditary Cancer Syndrome; Hereditary neoplastic syndrome. Identifiers: Orphanet 140162, MedGen C0027672, MeSH D009386, MONDO:0015356.
Ataxia-telangiectasia syndrome (AT). Also called: Ataxia telangiectasia (A-T); ATAXIA-TELANGIECTASIA, COMPLEMENTATION GROUP A; ATAXIA-TELANGIECTASIA, FRESNO VARIANT; Ataxia-telangiectasia; Ataxia-telangiectasia, complementation group E; LOUIS-BAR SYNDROME. Identifiers: Orphanet 100, MedGen C0004135, MONDO:0008840, OMIM 208900.

Submissions (3):

Department of Pathology and Laboratory Medicine, Sinai Health System
Classification: Uncertain significance for ATM-related cancer predisposition. Last evaluated: 2024-07-02. Review status: criteria provided, single submitter. Criteria: ACMG Guidelines, 2015. Collection method: clinical testing. Allele origin: germline. Affected: no.

Ambry Genetics
Classification: Uncertain significance for Hereditary cancer-predisposing syndrome. Last evaluated: 2024-04-26. Review status: criteria provided, single submitter. Criteria: Ambry Variant Classification Scheme 2023. Collection method: clinical testing. Allele origin: germline.
Comment: The p.T2438K variant (also known as c.7313C>A), located in coding exon 49 of the ATM gene, results from a C to A substitution at nucleotide position 7313. The threonine at codon 2438 is replaced by lysine, an amino acid with similar properties. This amino acid position is well conserved in available vertebrate species. In addition, the in silico prediction for this alteration is inconclusive. Based on the available evidence, the clinical significance of this variant remains unclear.

Labcorp Genetics (formerly Invitae), Labcorp
Classification: Uncertain significance for Ataxia-telangiectasia syndrome. Last evaluated: 2023-05-19. Review status: criteria provided, single submitter. Criteria: Invitae Variant Classification Sherloc (09022015). Collection method: clinical testing. Allele origin: germline.
Comment: ClinVar contains an entry for this variant (Variation ID: 1014626). This variant has not been reported in the literature in individuals affected with ATM-related conditions. This variant is not present in population databases (gnomAD no frequency). This sequence change replaces threonine, which is neutral and polar, with lysine, which is basic and polar, at codon 2438 of the ATM protein (p.Thr2438Lys). Algorithms developed to predict the effect of sequence changes on RNA splicing suggest that this variant may disrupt the consensus splice site. In summary, the available evidence is currently insufficient to determine the role of this variant in disease. Therefore, it has been classified as a Variant of Uncertain Significance. An algorithm developed to predict the effect of missense changes on protein structure and function (PolyPhen-2) suggests that this variant is likely to be disruptive.

NM_000051.4(ATM):c.7313C>A (p.Thr2438Lys)

Genes: ATM (ATM serine/threonine kinase; plus strand), C11orf65 (chromosome 11 open reading frame 65; minus strand). Cytogenetic location: 11q22.3.
Variant type: single nucleotide variant.
Coding change: c.7313C>A on transcript NM_000051.4 (MANE Select); coding-DNA position 7313, C replaced by A.
Protein change: p.Thr2438Lys; replaces threonine 2438 with lysine.
Molecular consequence: missense variant. On other transcripts: intron variant (2).
Genome position (GRCh38, 1-based): chr11:108,330,219, C>A. VCF-style: chr11-108330219-C-A. GRCh37 (hg19) VCF-style: chr11-108200946-C-A.
Other names: c.7313C>A, p.Thr2438Lys (NM_001351834.2); c.641-21148G>T (NM_001330368.2); c.*38+5001G>T (NM_001351110.2); short protein forms T2438K.
Identifiers: ClinVar variation 1014626 (VCV001014626.13), dbSNP rs147604227, ClinGen allele CA382559870.
Genomic context (GRCh38, chr11:108,330,219, plus strand): 5'-GTAGTTCTGTTAAAGTTCATGGCTTTTGTGTTTTACCTTAATTATTCTATGCAAGATACA[C>A]AGTAAAGGTTCAGCGAGAGCTGGAGTTGGATGAATTAGCCCTGCGTGCACTGAAAGAGGA-3'
Protein context (NP_000042.3, residues 2428-2448): REHKIQTNRY[Thr2438Lys]VKVQRELELD